The following is an entry in ClinVar:

NM_000088.4(COL1A1):c.4249-12G>A

Gene: COL1A1 (collagen type I alpha 1 chain; minus strand). Cytogenetic location: 17q21.33.
Variant type: single nucleotide variant.
Coding change: c.4249-12G>A on transcript NM_000088.4 (MANE Select); 12 bases into the intron before coding-DNA position 4249, G replaced by A.
Molecular consequence: intron variant.
Genome position (GRCh38, 1-based): chr17:50,185,660, C>T on the plus strand (G>A on the coding strand, the complement: COL1A1 is on the minus strand). VCF-style: chr17-50185660-C-T. GRCh37 (hg19) VCF-style: chr17-48263021-C-T.
Identifiers: ClinVar variation 197918 (VCV000197918.20), dbSNP rs2249492, ClinGen allele CA203157.
Genomic context (GRCh38, chr17:50,185,660, plus strand): 5'-TGGTGGTTTTGTATTCAATCACTGTCTTGCCCCAGGCTCCGGTGTGACTCTGGGGTGGGG[C>T]GGAGACAACGGGAGGGGGCATTACCACGTGGGAGTGATGGAGAGAGGGCACTATGGCCTG-3'

ClinVar aggregate classification (germline): Benign. Review status: criteria provided, multiple submitters, no conflicts (2 of 4 stars). 10 submissions from 8 submitters: Benign (10). Last evaluated 2026-02-04.

Conditions:
Osteogenesis imperfecta (OI). Identifiers: Orphanet 666, MedGen C0029434, MeSH D010013, MONDO:0019019.
Infantile cortical hyperostosis. Also called: P1PK BLOOD GROUP SYSTEM, P(2) PHENOTYPE; Caffey Disease; Hyperostosis, Cortical, Congenital. Identifiers: Orphanet 1310, MedGen C0020497, MONDO:0007244, OMIM 114000.
Ehlers-Danlos syndrome, arthrochalasia type. Also called: Ehlers-Danlos syndrome, arthrochalasia type, 1; ARTHROCHALASIS MULTIPLEX CONGENITA; Ehlers-Danlos syndrome, arthrochalasis type; EDS VII, MUTANT PROCOLLAGEN TYPE; EDS VIIA. Identifiers: Orphanet 1899, Orphanet 99875, Orphanet 99876, MedGen C4551623, MONDO:0007525, OMIM 130060.
Osteogenesis imperfecta type I (OI1). Also called: Lobstein disease; Classic Non-deforming Osteogenesis Imperfecta with Blue Sclerae; Lobstein's Disease; Osteogenesis imperfecta type 1; OI, TYPE I; OSTEOGENESIS IMPERFECTA TARDA. Identifiers: Orphanet 216796, Orphanet 666, MedGen C0023931, MONDO:0008146, OMIM 166200. Disease mechanism: loss of function.

Allele frequency attached by ClinVar (database versions not stated): 1000 Genomes Project 30x 0.48126; 1000 Genomes Project 0.48502; ESP Exome Variant Server 0.51030; TOPMed 0.52069; gnomAD 0.52233 and 0.52554; ExAC 0.58280; gnomAD exomes 0.59027 and 0.60440.
gnomAD v4.1: 962,395 of 1,612,456 alleles (60%); highest among the groups gnomAD compares: Admixed American, 67%; 292,438 homozygotes.

Submissions (10):

Labcorp Genetics (formerly Invitae), Labcorp
Classification: Benign for Osteogenesis imperfecta type I. Last evaluated: 2026-02-04. Review status: criteria provided, single submitter. Criteria: Invitae Variant Classification Sherloc (09022015). Collection method: clinical testing. Allele origin: germline.

Blueprint Genetics
Classification: Benign. Last evaluated: 2024-11-28. Review status: criteria provided, single submitter. Criteria: ACMG Guidelines, 2015. Collection method: clinical testing. Allele origin: germline.

Illumina Laboratory Services, Illumina
Classification: Benign for Ehlers-Danlos syndrome, arthrochalasia type. Last evaluated: 2018-01-13. Review status: criteria provided, single submitter. Criteria: ICSL Variant Classification Criteria 13 December 2019. Collection method: clinical testing. Allele origin: germline.
Comment: This variant was observed in the ICSL laboratory as part of a predisposition screen in an ostensibly healthy population. It had not been previously curated by ICSL or reported in the Human Gene Mutation Database (HGMD: prior to June 1st, 2018), and was therefore a candidate for classification through an automated scoring system. Utilizing variant allele frequency, disease prevalence and penetrance estimates, and inheritance mode, an automated score was calculated to assess if this variant is too frequent to cause the disease. Based on the score and internal cut-off values, a variant classified as benign is not then subjected to further curation. The score for this variant resulted in a classification of benign for this disease.

Illumina Laboratory Services, Illumina
Classification: Benign for Osteogenesis imperfecta. Last evaluated: 2018-01-13. Review status: criteria provided, single submitter. Criteria: ICSL Variant Classification Criteria 13 December 2019. Collection method: clinical testing. Allele origin: germline.
Comment: the same text as in the submission from Illumina Laboratory Services, Illumina above.

Illumina Laboratory Services, Illumina
Classification: Benign for Infantile cortical hyperostosis. Last evaluated: 2018-01-13. Review status: criteria provided, single submitter. Criteria: ICSL Variant Classification Criteria 13 December 2019. Collection method: clinical testing. Allele origin: germline.
Comment: the same text as in the submission from Illumina Laboratory Services, Illumina above.

Athena Diagnostics
Classification: Benign. Last evaluated: 2017-07-26. Review status: criteria provided, single submitter. Criteria: Athena Diagnostics Criteria. Collection method: clinical testing. Allele origin: germline.

Eurofins Ntd Llc (ga)
Classification: Benign. Last evaluated: 2016-04-04. Review status: criteria provided, single submitter. Criteria: EGL Classification Definitions 2015. Collection method: clinical testing. Allele origin: germline. Observed: 6 variant alleles, 5 heterozygotes, 1 homozygote.

GeneDx
Classification: Benign. Last evaluated: 2016-03-03. Review status: criteria provided, single submitter. Criteria: GeneDx Variant Classification (06012015). Collection method: clinical testing. Allele origin: germline. Affected: yes.
Comment: This variant is considered likely benign or benign based on one or more of the following criteria: it is a conservative change, it occurs at a poorly conserved position in the protein, it is predicted to be benign by multiple in silico algorithms, and/or has population frequency not consistent with disease.

Breakthrough Genomics
Classification: Benign. Review status: criteria provided, single submitter. Criteria: ACMG Guidelines, 2015. Collection method: not provided. Allele origin: germline. Inheritance: Autosomal dominant inheritance. Affected: yes.

PreventionGenetics, part of Exact Sciences
Classification: Benign. Review status: criteria provided, single submitter. Criteria: ACMG Guidelines, 2015. Collection method: clinical testing. Allele origin: germline.